The following is an entry in ClinVar:

NM_000535.7(PMS2):c.549A>C (p.Lys183Asn)

Gene: PMS2 (PMS1 homolog 2, mismatch repair system component; minus strand). Cytogenetic location: 7p22.1.
Variant type: single nucleotide variant.
Coding change: c.549A>C on transcript NM_000535.7 (MANE Select); coding-DNA position 549, A replaced by C.
Protein change: p.Lys183Asn; replaces lysine 183 with asparagine.
Molecular consequence: missense variant. On other transcripts: non-coding transcript variant (1), intron variant (3).
Genome position (GRCh38, 1-based): chr7:5,999,264, T>G on the plus strand (A>C on the coding strand, the complement: PMS2 is on the minus strand). VCF-style: chr7-5999264-T-G. GRCh37 (hg19) VCF-style: chr7-6038895-T-G.
Other names: c.144A>C, p.Lys48Asn (NM_001322003.2, NM_001322004.2, NM_001322005.2 and 2 more transcripts); c.549A>C, p.Lys183Asn (NM_001322006.2, NM_001322014.2); c.231A>C, p.Lys77Asn (NM_001322007.2, NM_001322008.2); c.240A>C, p.Lys80Asn (NM_001322015.2); c.133-1841A>C (NM_001322013.2); c.-347-38A>C (NM_001322012.2, NM_001322011.2); short protein forms K183N, K77N, K48N, K80N.
Identifiers: ClinVar variation 955473 (VCV000955473.12), dbSNP rs1784828441, ClinGen allele CA366744115.

ClinVar aggregate classification (germline): Uncertain significance. Review status: criteria provided, multiple submitters, no conflicts (2 of 4 stars). 2 submissions from 2 submitters: Uncertain significance (2). Last evaluated 2019-07-31.

Conditions:
Hereditary cancer-predisposing syndrome. Also called: Hereditary neoplastic syndrome; Tumor predisposition; Neoplastic Syndromes, Hereditary; Hereditary Cancer Syndrome. Identifiers: Orphanet 140162, MedGen C0027672, MeSH D009386, MONDO:0015356.
Hereditary nonpolyposis colorectal neoplasms. Identifiers: MedGen C0009405, MeSH D003123.

Submissions (2):

Labcorp Genetics (formerly Invitae), Labcorp
Classification: Uncertain significance for Hereditary nonpolyposis colorectal neoplasms. Last evaluated: 2019-07-31. Review status: criteria provided, single submitter. Criteria: Invitae Variant Classification Sherloc (09022015). Collection method: clinical testing. Allele origin: germline.
Comment: In summary, the available evidence is currently insufficient to determine the role of this variant in disease. Therefore, it has been classified as a Variant of Uncertain Significance. Algorithms developed to predict the effect of missense changes on protein structure and function (SIFT, PolyPhen-2, Align-GVGD) all suggest that this variant is likely to be disruptive, but these predictions have not been confirmed by published functional studies and their clinical significance is uncertain. This variant has not been reported in the literature in individuals with PMS2-related conditions. This variant is not present in population databases (ExAC no frequency). This sequence change replaces lysine with asparagine at codon 183 of the PMS2 protein (p.Lys183Asn). The lysine residue is highly conserved and there is a moderate physicochemical difference between lysine and asparagine.

Ambry Genetics
Classification: Uncertain significance for Hereditary cancer-predisposing syndrome. Last evaluated: 2019-01-22. Review status: criteria provided, single submitter. Criteria: Ambry Variant Classification Scheme 2023. Collection method: clinical testing. Allele origin: germline.
Comment: The p.K183N variant (also known as c.549A>C), located in coding exon 6 of the PMS2 gene, results from an A to C substitution at nucleotide position 549. The lysine at codon 183 is replaced by asparagine, an amino acid with similar properties. This amino acid position is well conserved in available vertebrate species. In addition, the in silico prediction for this alteration is inconclusive. Since supporting evidence is limited at this time, the clinical significance of this alteration remains unclear.